The following is an entry in ClinVar:

NM_006904.7(PRKDC):c.2963T>C (p.Val988Ala)

Gene: PRKDC (protein kinase, DNA-activated, catalytic subunit; minus strand). Cytogenetic location: 8q11.21.
Variant type: single nucleotide variant.
Coding change: c.2963T>C on transcript NM_006904.7 (MANE Select); coding-DNA position 2963, T replaced by C.
Protein change: p.Val988Ala; replaces valine 988 with alanine.
Molecular consequence: missense variant.
Genome position (GRCh38, 1-based): chr8:47,904,948, A>G on the plus strand (T>C on the coding strand, the complement: PRKDC is on the minus strand). VCF-style: chr8-47904948-A-G. GRCh37 (hg19) VCF-style: chr8-48817508-A-G.
Other names: c.2963T>C, p.Val988Ala (NM_001081640.2); short protein forms V988A.
Identifiers: ClinVar variation 2626327 (VCV002626327.2), dbSNP rs2551875904, ClinGen allele CA371157543.

ClinVar aggregate classification (germline): Uncertain significance (1 of 4 stars; one submission).

Submission:

Ambry Genetics
Classification: Uncertain significance. Last evaluated: 2023-06-25. Review status: criteria provided, single submitter. Criteria: Ambry Variant Classification Scheme 2023. Collection method: clinical testing. Allele origin: germline.
Comment: The p.V988A variant (also known as c.2963T>C), located in coding exon 26 of the PRKDC gene, results from a T to C substitution at nucleotide position 2963. The valine at codon 988 is replaced by alanine, an amino acid with similar properties. This amino acid position is conserved. In addition, the in silico prediction for this alteration is inconclusive. Since supporting evidence is limited at this time, the clinical significance of this alteration remains unclear.